The following is an entry in ClinVar:

ClinVar aggregate classification (germline): Pathogenic (1 of 4 stars; one submission).

Submission:

GeneDx
Classification: Pathogenic. Last evaluated: 2017-03-24. Review status: criteria provided, single submitter. Criteria: GeneDx Variant Classification (06012015). Collection method: clinical testing. Allele origin: germline. Affected: yes.
Comment: The c.387-2 A>G splice site variant in the SCN2A gene destroys the canonical splice acceptor site in intron 3. It is predicted to cause abnormal gene splicing leading to an abnormal message that is subject to nonsense-mediated mRNA decay, or to an abnormal protein product if the message is used for protein translation. Although this variant has not been reported previously to our knowledge, it is expected to be a pathogenic variant

NM_001040142.2(SCN2A):c.387-2A>G

Gene: SCN2A (sodium voltage-gated channel alpha subunit 2; plus strand). Cytogenetic location: 2q24.3.
Variant type: single nucleotide variant.
Coding change: c.387-2A>G on transcript NM_001040142.2 (MANE Select); the canonical splice acceptor site of the intron before coding-DNA position 387, A replaced by G.
Molecular consequence: splice acceptor variant.
Genome position (GRCh38, 1-based): chr2:165,307,846, A>G. VCF-style: chr2-165307846-A-G. GRCh37 (hg19) VCF-style: chr2-166164356-A-G.
Other names: c.387-2A>G (NM_001040143.2, NM_001371246.1, NM_001371247.1 and 1 more transcripts).
Identifiers: ClinVar variation 207037 (VCV000207037.2), dbSNP rs796053169, ClinGen allele CA318072.
Genomic context (GRCh38, chr2:165,307,846, plus strand): 5'-CATGGTAGTGCATAAAAGTAAGATTTTTCCATTGAACTTTGTCTTCCTTGACGATATTCT[A>G]CTTTATTCAATATGCTCATTATGTGCACGATTCTTACCAACTGTGTATTTATGACCATGA-3'